The following is an entry in ClinVar:

NM_030973.4(MED25):c.1525C>T (p.Arg509Cys)

Gene: MED25 (mediator complex subunit 25; plus strand). Cytogenetic location: 19q13.33.
Variant type: single nucleotide variant.
Coding change: c.1525C>T on transcript NM_030973.4 (MANE Select); coding-DNA position 1525, C replaced by T.
Protein change: p.Arg509Cys; replaces arginine 509 with cysteine.
Molecular consequence: missense variant.
Genome position (GRCh38, 1-based): chr19:49,835,028, C>T. VCF-style: chr19-49835028-C-T. GRCh37 (hg19) VCF-style: chr19-50338285-C-T.
Other names: c.1525C>T, p.Arg509Cys (NM_001378355.1); short protein forms R509C.
Identifiers: ClinVar variation 956984 (VCV000956984.9), dbSNP rs1418129935, ClinGen allele CA406917935.

ClinVar aggregate classification (germline): Uncertain significance (1 of 4 stars; one submission).

Conditions:
Charcot-Marie-Tooth disease type 2. Also called: Charcot-Marie-Tooth type 2. Identifiers: Orphanet 64746, MedGen C0270914, MONDO:0018993.

Allele frequency attached by ClinVar (database versions not stated): gnomAD exomes 0.00001 and below 0.00001; TOPMed 0.00001.

Submission:

Labcorp Genetics (formerly Invitae), Labcorp
Classification: Uncertain significance for Charcot-Marie-Tooth disease type 2. Last evaluated: 2023-07-17. Review status: criteria provided, single submitter. Criteria: Invitae Variant Classification Sherloc (09022015). Collection method: clinical testing. Allele origin: germline.
Comment: In summary, the available evidence is currently insufficient to determine the role of this variant in disease. Therefore, it has been classified as a Variant of Uncertain Significance. An algorithm developed to predict the effect of missense changes on protein structure and function (PolyPhen-2) suggests that this variant is likely to be disruptive. ClinVar contains an entry for this variant (Variation ID: 956984). This variant has not been reported in the literature in individuals affected with MED25-related conditions. This variant is present in population databases (no rsID available, gnomAD 0.003%). This sequence change replaces arginine, which is basic and polar, with cysteine, which is neutral and slightly polar, at codon 509 of the MED25 protein (p.Arg509Cys).